The following is an entry in ClinVar:

ClinVar aggregate classification (germline): Uncertain significance (1 of 4 stars; one submission).

Conditions:
Long QT syndrome (LQTS). Identifiers: MedGen C0023976, MeSH D008133, MONDO:0002442. Disease mechanism: loss of function. Inheritance: Various modes of inheritance.

Submission:

Labcorp Genetics (formerly Invitae), Labcorp
Classification: Uncertain significance for Long QT syndrome. Last evaluated: 2024-05-25. Review status: criteria provided, single submitter. Criteria: Invitae Variant Classification Sherloc (09022015). Collection method: clinical testing. Allele origin: germline.
Comment: This sequence change replaces lysine, which is basic and polar, with asparagine, which is neutral and polar, at codon 332 of the KCNH2 protein (p.Lys332Asn). This variant is not present in population databases (gnomAD no frequency). This variant has not been reported in the literature in individuals affected with KCNH2-related conditions. An algorithm developed to predict the effect of missense changes on protein structure and function (PolyPhen-2) suggests that this variant is likely to be tolerated. In summary, the available evidence is currently insufficient to determine the role of this variant in disease. Therefore, it has been classified as a Variant of Uncertain Significance.

NM_000238.4(KCNH2):c.996G>C (p.Lys332Asn)

Gene: KCNH2 (potassium voltage-gated channel subfamily H member 2; minus strand). Cytogenetic location: 7q36.1.
Variant type: single nucleotide variant.
Coding change: c.996G>C on transcript NM_000238.4 (MANE Select); coding-DNA position 996, G replaced by C.
Protein change: p.Lys332Asn; replaces lysine 332 with asparagine.
Molecular consequence: missense variant. On other transcripts: non-coding transcript variant (1).
Genome position (GRCh38, 1-based): chr7:150,957,423, C>G on the plus strand (G>C on the coding strand, the complement: KCNH2 is on the minus strand). VCF-style: chr7-150957423-C-G. GRCh37 (hg19) VCF-style: chr7-150654511-C-G.
Other names: c.708G>C, p.Lys236Asn (NM_001406753.1, NM_001406756.1); c.819G>C, p.Lys273Asn (NM_001406755.1); c.696G>C, p.Lys232Asn (NM_001406757.1); c.996G>C, p.Lys332Asn (NM_172056.3); short protein forms K273N, K332N, K232N, K236N.
Identifiers: ClinVar variation 3686710 (VCV003686710.2).